The following is an entry in ClinVar:

ClinVar aggregate classification (germline): Uncertain significance. Review status: criteria provided, multiple submitters, no conflicts (2 of 4 stars). 3 submissions from 3 submitters: Uncertain significance (3). Last evaluated 2025-10-07.

Conditions:
Noonan syndrome (NS). Also called: Noonan's syndrome. Identifiers: Orphanet 648, MedGen C0028326, MeSH D009634, MONDO:0018997. Disease mechanism: gain of function.

Allele frequency attached by ClinVar (database versions not stated): gnomAD exomes 0.00002 and below 0.00001; TOPMed 0.00004; gnomAD 0.00001; ExAC 0.00002.
gnomAD v4.1: 8 of 1,438,810 alleles (0.00056%); highest among the groups gnomAD compares: Admixed American, 0.012%; no homozygotes.

Submissions (3):

Labcorp Genetics (formerly Invitae), Labcorp
Classification: Uncertain significance for Noonan syndrome. Last evaluated: 2025-10-07. Review status: criteria provided, single submitter. Criteria: Invitae Variant Classification Sherloc (09022015). Collection method: clinical testing. Allele origin: germline.
Comment: This sequence change replaces lysine, which is basic and polar, with asparagine, which is neutral and polar, at codon 209 of the RRAS protein (p.Lys209Asn). The frequency data for this variant in the population databases is considered unreliable, as metrics indicate poor data quality at this position in the gnomAD database. This variant has not been reported in the literature in individuals affected with RRAS-related conditions. ClinVar contains an entry for this variant (Variation ID: 849110). An algorithm developed to predict the effect of missense changes on protein structure and function (PolyPhen-2) suggests that this variant is likely to be tolerated. In summary, the available evidence is currently insufficient to determine the role of this variant in disease. Therefore, it has been classified as a Variant of Uncertain Significance.

Ambry Genetics
Classification: Uncertain significance. Last evaluated: 2024-12-07. Review status: criteria provided, single submitter. Criteria: Ambry Variant Classification Scheme 2023. Collection method: clinical testing. Allele origin: germline.
Comment: The p.K209N variant (also known as c.627G>T), located in coding exon 6 of the RRAS gene, results from a G to T substitution at nucleotide position 627. The lysine at codon 209 is replaced by asparagine, an amino acid with similar properties. This amino acid position is conserved. In addition, this alteration is predicted to be tolerated by in silico analysis. Based on the available evidence, the clinical significance of this variant remains unclear.

Women's Health and Genetics/Laboratory Corporation of America, LabCorp
Classification: Uncertain significance. Last evaluated: 2019-11-18. Review status: criteria provided, single submitter. Criteria: LabCorp Variant Classification Summary - May 2015. Collection method: clinical testing. Allele origin: germline.
Comment: Variant summary: RRAS c.627G>T (p.Lys209Asn) results in a non-conservative amino acid change in the encoded protein sequence. Three of five in-silico tools predict a damaging effect of the variant on protein function. The variant allele was found at a frequency of 2e-05 in 152962 control chromosomes. The available data on variant occurrences in the general population are insufficient to allow any conclusion about variant significance. To our knowledge, no occurrence of c.627G>T in individuals affected with Noonan Syndrome and Related Conditions and no experimental evidence demonstrating its impact on protein function have been reported. No clinical diagnostic laboratories have submitted clinical-significance assessments for this variant to ClinVar after 2014. Based on the evidence outlined above, the variant was classified as uncertain significance.

NM_006270.5(RRAS):c.627G>T (p.Lys209Asn)

Gene: RRAS (RAS related; minus strand). Cytogenetic location: 19q13.33.
Variant type: single nucleotide variant.
Coding change: c.627G>T on transcript NM_006270.5 (MANE Select); coding-DNA position 627, G replaced by T.
Protein change: p.Lys209Asn; replaces lysine 209 with asparagine.
Molecular consequence: missense variant.
Genome position (GRCh38, 1-based): chr19:49,635,606, C>A on the plus strand (G>T on the coding strand, the complement: RRAS is on the minus strand). VCF-style: chr19-49635606-C-A. GRCh37 (hg19) VCF-style: chr19-50138863-C-A.
Other names: c.627G>T (NM_006270.3); short protein forms K209N.
Identifiers: ClinVar variation 849110 (VCV000849110.6), dbSNP rs771557284, ClinGen allele CA9578929.